The following is an entry in ClinVar:

NM_002691.4(POLD1):c.1495-6C>T

Gene: POLD1 (DNA polymerase delta 1, catalytic subunit; plus strand). Cytogenetic location: 19q13.33.
Variant type: single nucleotide variant.
Coding change: c.1495-6C>T on transcript NM_002691.4 (MANE Select); 6 bases into the intron before coding-DNA position 1495, C replaced by T.
Molecular consequence: intron variant.
Genome position (GRCh38, 1-based): chr19:50,406,977, C>T. VCF-style: chr19-50406977-C-T. GRCh37 (hg19) VCF-style: chr19-50910234-C-T.
Other names: c.1495-6C>T (NM_001256849.1, NM_001308632.1).
Identifiers: ClinVar variation 3904208 (VCV003904208.1).

ClinVar aggregate classification (germline): Likely benign (1 of 4 stars; one submission).

Conditions:
POLD1-related polyposis and colorectal cancer syndrome (CRCS10). Also called: Colorectal cancer 10; COLORECTAL CANCER, SUSCEPTIBILITY TO, ON CHROMOSOME 19q; Colorectal cancer, susceptibility to, 10. Identifiers: Orphanet 220460, MedGen C2675481, MONDO:0012953, OMIM 612591.

gnomAD v4.1: 1 of 1,452,452 alleles (0.000069%); highest among the groups gnomAD compares: Non-Finnish European, 0.000093%; no homozygotes.

Submission:

Myriad Genetics, Inc.
Classification: Likely benign for POLD1-related polyposis and colorectal cancer syndrome. Last evaluated: 2025-02-06. Review status: criteria provided, single submitter. Criteria: Myriad Autosomal Dominant, Autosomal Recessive and X-Linked Classification Criteria (2023). Collection method: clinical testing. Allele origin: unknown.
Comment: This variant is considered likely benign. This variant is intronic and is not expected to impact mRNA splicing.